The following is an entry in ClinVar:

NM_000275.3(OCA2):c.1529del (p.Ala510fs)

Gene: OCA2 (OCA2 melanosomal transmembrane protein; minus strand). Cytogenetic location: 15q13.1.
Variant type: Deletion.
Coding change: c.1529del on transcript NM_000275.3 (MANE Select); coding-DNA position 1529, one base deleted (C; older notation c.1529delC).
Protein change: p.Ala510fs; shifts the reading frame from alanine 510.
Molecular consequence: frameshift variant.
Genome position (GRCh38, 1-based): chr15:27,966,797, G deleted on the plus strand (C on the coding strand, the reverse complement: OCA2 is on the minus strand). VCF-style (leftmost placement, unchanged base first): chr15-27966796-TG-T. GRCh37 (hg19) VCF-style: chr15-28211942-TG-T.
Other names: c.1457del, p.Ala486fs (NM_001300984.2); short protein forms A510fs, A486fs.
Identifiers: ClinVar variation 2823388 (VCV002823388.3), dbSNP rs2548282084, ClinGen allele CA2739279840.
Genomic context (GRCh38, chr15:27,966,796, plus strand): 5'-AAGGAGTCTGAGGAGCGGAAAGCAGACCAGGAGAACAAGGCAAATCCCAATGAACATGTG[TG>T]CAGTGAATCCGGCAAAGTCCAGGCCCTGGAAATAAACAAGGGGAAATGAAATGGCAGCCC-3'

ClinVar aggregate classification (germline): Pathogenic (1 of 4 stars; one submission).

Submission:

Labcorp Genetics (formerly Invitae), Labcorp
Classification: Pathogenic. Last evaluated: 2022-12-23. Review status: criteria provided, single submitter. Criteria: Invitae Variant Classification Sherloc (09022015). Collection method: clinical testing. Allele origin: germline.
Comment: This sequence change creates a premature translational stop signal (p.Ala510Aspfs*38) in the OCA2 gene. It is expected to result in an absent or disrupted protein product. Loss-of-function variants in OCA2 are known to be pathogenic (PMID: 19865097, 21541274). This variant is not present in population databases (gnomAD no frequency). This variant has not been reported in the literature in individuals affected with OCA2-related conditions. For these reasons, this variant has been classified as Pathogenic.

Literature cited by the submitters: PubMed 19865097; PubMed 21541274.